The following is an entry in ClinVar:

ClinVar aggregate classification (germline): Pathogenic (1 of 4 stars; one submission).

Conditions:
Citrin deficiency. Identifiers: Orphanet 247582, MedGen C1997910, MONDO:0016602.

Submission:

Labcorp Genetics (formerly Invitae), Labcorp
Classification: Pathogenic for Citrin deficiency. Last evaluated: 2022-07-06. Review status: criteria provided, single submitter. Criteria: Invitae Variant Classification Sherloc (09022015). Collection method: clinical testing. Allele origin: germline.
Comment: For these reasons, this variant has been classified as Pathogenic. Algorithms developed to predict the effect of sequence changes on RNA splicing suggest that this variant may disrupt the consensus splice site. This variant has not been reported in the literature in individuals affected with SLC25A13-related conditions. This variant is not present in population databases (gnomAD no frequency). This sequence change creates a premature translational stop signal (p.Glu327*) in the SLC25A13 gene. It is expected to result in an absent or disrupted protein product. Loss-of-function variants in SLC25A13 are known to be pathogenic (PMID: 10369257, 14680984, 27405544).

Literature cited by the submitters: PubMed 10369257; PubMed 14680984; PubMed 27405544.

NM_014251.3(SLC25A13):c.979G>T (p.Glu327Ter)

Gene: SLC25A13 (solute carrier family 25 member 13; minus strand). Cytogenetic location: 7q21.3.
Variant type: single nucleotide variant.
Coding change: c.979G>T on transcript NM_014251.3 (MANE Select); coding-DNA position 979, G replaced by T.
Protein change: p.Glu327Ter; replaces glutamic acid 327 with a stop codon.
Molecular consequence: nonsense. On other transcripts: non-coding transcript variant (1).
Genome position (GRCh38, 1-based): chr7:96,184,966, C>A on the plus strand (G>T on the coding strand, the complement: SLC25A13 is on the minus strand). VCF-style: chr7-96184966-C-A. GRCh37 (hg19) VCF-style: chr7-95814278-C-A.
Other names: c.982G>T, p.Glu328Ter (NM_001160210.2); short protein forms E327*, E328*.
Identifiers: ClinVar variation 2014597 (VCV002014597.4), dbSNP rs2485796243, ClinGen allele CA368260661.